The following is an entry in ClinVar:

ClinVar aggregate classification (germline): Uncertain significance (1 of 4 stars; one submission).

gnomAD v4.1: 1 of 1,613,980 alleles (0.000062%); highest among the groups gnomAD compares: Non-Finnish European, 0.000085%; no homozygotes.

Submission:

GeneDx
Classification: Uncertain significance. Last evaluated: 2025-05-22. Review status: criteria provided, single submitter. Criteria: GeneDx Variant Classification Process June 2021. Collection method: clinical testing. Allele origin: germline. Affected: yes.
Comment: Not observed at significant frequency in large population cohorts (gnomAD); In silico analysis supports that this missense variant has a deleterious effect on protein structure/function; Has not been previously published as pathogenic or benign to our knowledge

NM_013245.3(VPS4A):c.484G>A (p.Gly162Arg)

Gene: VPS4A (vacuolar protein sorting 4 homolog A; plus strand). Cytogenetic location: 16q22.1.
Variant type: single nucleotide variant.
Coding change: c.484G>A on transcript NM_013245.3 (MANE Select); coding-DNA position 484, G replaced by A.
Protein change: p.Gly162Arg; replaces glycine 162 with arginine.
Molecular consequence: missense variant.
Genome position (GRCh38, 1-based): chr16:69,319,407, G>A. VCF-style: chr16-69319407-G-A. GRCh37 (hg19) VCF-style: chr16-69353310-G-A.
Other names: short protein forms G162R.
Identifiers: ClinVar variation 4530977 (VCV004530977.1).